The following is an entry in ClinVar:

ClinVar aggregate classification (germline): Uncertain significance. Review status: criteria provided, multiple submitters, no conflicts (2 of 4 stars). 2 submissions from 2 submitters: Uncertain significance (2). Last evaluated 2024-09-17.

Conditions:
Fanconi anemia complementation group D2. Also called: FANCD2-Related Fanconi Anemia; FANCONI PANCYTOPENIA, TYPE 4; FANCONI ANEMIA, COMPLEMENTATION GROUP D. Identifiers: Orphanet 84, MedGen C3160738, MONDO:0009214, OMIM 227646.

Allele frequency attached by ClinVar (database versions not stated): gnomAD exomes below 0.00001.

Submissions (2):

GeneDx
Classification: Uncertain significance. Last evaluated: 2024-09-17. Review status: criteria provided, single submitter. Criteria: GeneDx Variant Classification Process June 2021. Collection method: clinical testing. Allele origin: germline. Affected: yes.
Comment: Not observed at significant frequency in large population cohorts (gnomAD); In silico analysis supports that this missense variant has a deleterious effect on protein structure/function; Has not been previously published as pathogenic or benign to our knowledge; In silico analysis is inconclusive as to whether the variant alters gene splicing. In the absence of RNA/functional studies, the actual effect of this sequence change is unknown.

Fulgent Genetics
Classification: Uncertain significance for Fanconi anemia complementation group D2. Last evaluated: 2024-06-17. Review status: criteria provided, single submitter. Criteria: ACMG Guidelines, 2015. Collection method: clinical testing. Allele origin: germline.

NM_001018115.3(FANCD2):c.2623G>T (p.Asp875Tyr)

Genes: FANCD2 (FA complementation group D2; plus strand), LOC107303338 (3p25 FANCD2 Alu-mediated recombination region; plus strand). Cytogenetic location: 3p25.3.
Variant type: single nucleotide variant.
Coding change: c.2623G>T on transcript NM_001018115.3 (MANE Select); coding-DNA position 2623, G replaced by T.
Protein change: p.Asp875Tyr; replaces aspartic acid 875 with tyrosine.
Molecular consequence: missense variant.
Genome position (GRCh38, 1-based): chr3:10,073,270, G>T. VCF-style: chr3-10073270-G-T. GRCh37 (hg19) VCF-style: chr3-10114954-G-T.
Other names: c.2623G>T, p.Asp875Tyr (NM_001319984.2, NM_001374254.1, NM_033084.6); c.2512G>T, p.Asp838Tyr (NM_001374253.1); c.2623G>T (NM_033084.4); short protein forms D838Y, D875Y.
Identifiers: ClinVar variation 1302440 (VCV001302440.4), dbSNP rs2125048443, ClinGen allele CA351742419.